The following is an entry in ClinVar:

ClinVar aggregate classification (germline): Uncertain significance (1 of 4 stars; one submission).

Allele frequency attached by ClinVar (database versions not stated): ExAC 0.00001.
gnomAD v4.1: 2 of 1,613,426 alleles (0.00012%); highest among the groups gnomAD compares: Admixed American, 0.0033%; no homozygotes.

Submission:

GeneDx
Classification: Uncertain significance. Last evaluated: 2023-02-07. Review status: criteria provided, single submitter. Criteria: GeneDx Variant Classification Process June 2021. Collection method: clinical testing. Allele origin: germline. Affected: yes.
Comment: In silico analysis supports that this missense variant does not alter protein structure/function; Has not been previously published as pathogenic or benign to our knowledge

NM_003482.4(KMT2D):c.8257C>T (p.Pro2753Ser)

Gene: KMT2D (lysine methyltransferase 2D; minus strand). Cytogenetic location: 12q13.12.
Variant type: single nucleotide variant.
Coding change: c.8257C>T on transcript NM_003482.4 (MANE Select); coding-DNA position 8257, C replaced by T.
Protein change: p.Pro2753Ser; replaces proline 2753 with serine.
Molecular consequence: missense variant.
Genome position (GRCh38, 1-based): chr12:49,039,331, G>A on the plus strand (C>T on the coding strand, the complement: KMT2D is on the minus strand). VCF-style: chr12-49039331-G-A. GRCh37 (hg19) VCF-style: chr12-49433114-G-A.
Other names: short protein forms P2753S.
Identifiers: ClinVar variation 2575043 (VCV002575043.1), dbSNP rs762848312, ClinGen allele CA6546876.